The following is an entry in ClinVar:

NM_000321.3(RB1):c.2326-2A>G

Gene: RB1 (RB transcriptional corepressor 1; plus strand). Cytogenetic location: 13q14.2.
Variant type: single nucleotide variant.
Coding change: c.2326-2A>G on transcript NM_000321.3 (MANE Select); the canonical splice acceptor site of the intron before coding-DNA position 2326, A replaced by G.
Molecular consequence: splice acceptor variant.
Genome position (GRCh38, 1-based): chr13:48,465,203, A>G. VCF-style: chr13-48465203-A-G. GRCh37 (hg19) VCF-style: chr13-49039339-A-G.
Other names: c.2326-2A>G (NM_001407165.1).
Identifiers: ClinVar variation 853216 (VCV000853216.9), dbSNP rs1949432057, ClinGen allele CA388167744.

ClinVar aggregate classification (germline): Pathogenic/Likely pathogenic. Review status: criteria provided, multiple submitters, no conflicts (2 of 4 stars). 3 submissions from 3 submitters: Pathogenic (2); Likely pathogenic (1). Last evaluated 2025-09-17.

Conditions:
Hereditary cancer-predisposing syndrome. Also called: Neoplastic Syndromes, Hereditary; Hereditary Cancer Syndrome; Tumor predisposition; Hereditary neoplastic syndrome. Identifiers: Orphanet 140162, MedGen C0027672, MeSH D009386, MONDO:0015356.
Retinoblastoma (RB1). Also called: RETINOBLASTOMA, SOMATIC. Identifiers: Orphanet 790, MedGen C0035335, MeSH D012175, MONDO:0008380, OMIM 180200, HP:0009919. Disease mechanism: loss of function. Inheritance: Both sporadic and heritable forms are tested..
Hereditary retinoblastoma. Identifiers: Orphanet 357027, MedGen C0751483, MONDO:0018160.

Submissions (3):

Ramesar Group, Division of Human Genetics, Institute of Infectious Diseases and Molecular Medicine, UCT/MRC Genomic and Precision Medicine Research Unit, University of Cape Town
Classification: Pathogenic for Hereditary retinoblastoma. Last evaluated: 2025-09-17. Review status: criteria provided, single submitter. Criteria: ACMG Guidelines, 2015. Collection method: research. Allele origin: germline. Affected: yes. Observed: 2 variant alleles.

Ambry Genetics
Classification: Likely pathogenic for Hereditary cancer-predisposing syndrome. Last evaluated: 2024-09-26. Review status: criteria provided, single submitter. Criteria: Ambry Variant Classification Scheme 2023. Collection method: clinical testing. Allele origin: germline.
Comment: The c.2326-2A>G intronic variant results from an A to G substitution two nucleotides before coding exon 23 in the RB1 gene. In a study of 39 unrelated retinoblastoma patients carrying different RB1 variants, splicing models showed that this variant disrupts mRNA splicing (Houdayer C et al. Hum Mutat, 2008 Jul;29:975-82). This variant has been observed in at least one individual with a personal and/or family history that is consistent with RB1-related hereditary retinoblastoma (Ambry internal data). This variant is considered to be rare based on population cohorts in the Genome Aggregation Database (gnomAD). This nucleotide position is highly conserved in available vertebrate species. In silico splice site analysis predicts that this alteration will weaken the native splice acceptor site and will result in the creation or strengthening of a novel splice acceptor site. In addition to the clinical data presented in the literature, alterations that disrupt the canonical splice site are expected to cause aberrant splicing, resulting in an abnormal protein or a transcript that is subject to nonsense-mediated mRNA decay. As such, this alteration is classified as likely pathogenic.

Labcorp Genetics (formerly Invitae), Labcorp
Classification: Pathogenic for Retinoblastoma. Last evaluated: 2019-01-09. Review status: criteria provided, single submitter. Criteria: Invitae Variant Classification Sherloc (09022015). Collection method: clinical testing. Allele origin: germline.
Comment: For these reasons, this variant has been classified as Pathogenic. Donor and acceptor splice site variants typically lead to a loss of protein function (PMID: 16199547), and loss-of-function variants in RB1 are known to be pathogenic (PMID: 17096365). Experimental studies have shown that this variant disrupts mRNA splicing (PMID:18449911). This variant has been observed individuals affected with retinoblastoma (PMID: 18449911, Invitae). This variant is also known as IVS22–2A>G in the literature. This variant is not present in population databases (ExAC no frequency). This sequence change affects an acceptor splice site in intron 22 of the RB1 gene. It is expected to disrupt RNA splicing and likely results in an absent or disrupted protein product.

Literature cited by the submitters: PubMed 18449911 (cited by Ambry Genetics and Labcorp Genetics (formerly Invitae), Labcorp); PubMed 16199547 (cited by Labcorp Genetics (formerly Invitae), Labcorp); PubMed 17096365 (cited by Labcorp Genetics (formerly Invitae), Labcorp).